The following is an entry in ClinVar:

ClinVar aggregate classification (germline): Uncertain significance. Review status: criteria provided, multiple submitters, no conflicts (2 of 4 stars). 2 submissions from 2 submitters: Uncertain significance (2). Last evaluated 2025-07-24.

Conditions:
Familial thoracic aortic aneurysm and aortic dissection (TAAD). Also called: Thoracic aortic aneurysms and dissections. Identifiers: Orphanet 91387, MedGen C4707243, MONDO:0019625.

Allele frequency attached by ClinVar (database versions not stated): gnomAD exomes below 0.00001.
gnomAD v4.1: 1 of 1,613,528 alleles (0.000062%); highest among the groups gnomAD compares: Admixed American, 0.0017%; no homozygotes.

Submissions (2):

Ambry Genetics
Classification: Uncertain significance for Familial thoracic aortic aneurysm and aortic dissection. Last evaluated: 2025-07-24. Review status: criteria provided, single submitter. Criteria: Ambry Variant Classification Scheme 2023. Collection method: clinical testing. Allele origin: germline.
Comment: The p.Q895H variant (also known as c.2685G>C), located in coding exon 21 of the MYH11 gene, results from a G to C substitution at nucleotide position 2685. The glutamine at codon 895 is replaced by histidine, an amino acid with highly similar properties. This amino acid position is conserved. In addition, the in silico prediction for this alteration is inconclusive. Based on the available evidence, the clinical significance of this variant remains unclear.

GeneDx
Classification: Uncertain significance. Last evaluated: 2023-04-18. Review status: criteria provided, single submitter. Criteria: GeneDx Variant Classification Process June 2021. Collection method: clinical testing. Allele origin: germline. Affected: yes.
Comment: Has not been previously published as pathogenic or benign to our knowledge; Not observed at significant frequency in large population cohorts (gnomAD); In silico analysis supports that this missense variant has a deleterious effect on protein structure/function

NM_002474.3(MYH11):c.2685G>C (p.Gln895His)

Gene: MYH11 (myosin heavy chain 11; minus strand). Cytogenetic location: 16p13.11.
Variant type: single nucleotide variant.
Coding change: c.2685G>C on transcript NM_002474.3 (MANE Select); coding-DNA position 2685, G replaced by C.
Protein change: p.Gln895His; replaces glutamine 895 with histidine.
Molecular consequence: missense variant.
Genome position (GRCh38, 1-based): chr16:15,741,637, C>G on the plus strand (G>C on the coding strand, the complement: MYH11 is on the minus strand). VCF-style: chr16-15741637-C-G. GRCh37 (hg19) VCF-style: chr16-15835494-C-G.
Other names: c.2706G>C, p.Gln902His (NM_001040113.2, NM_001040114.2); c.2685G>C, p.Gln895His (NM_022844.3); short protein forms Q895H, Q902H.
Identifiers: ClinVar variation 2662707 (VCV002662707.2), dbSNP rs1363506426, ClinGen allele CA394865775.